The following is an entry in ClinVar:

ClinVar aggregate classification (germline): Uncertain significance. Review status: criteria provided, multiple submitters, no conflicts (2 of 4 stars). 2 submissions from 2 submitters: Uncertain significance (2). Last evaluated 2025-01-08.

Conditions:
Pulmonary fibrosis and/or bone marrow failure, Telomere-related, 3. Also called: PULMONARY FIBROSIS AND/OR BONE MARROW FAILURE SYNDROME, TELOMERE-RELATED, 3. Identifiers: Orphanet 2032, MedGen C4225346, MONDO:0014613, OMIM 616373.
Dyskeratosis congenita, autosomal recessive 5 (DKCB5). Identifiers: MedGen C3554656, MONDO:0014076, OMIM 615190.
Inborn genetic diseases. Identifiers: MedGen C0950123, MeSH D030342.

Allele frequency attached by ClinVar (database versions not stated): gnomAD exomes 0.00001; ExAC 0.00002; TOPMed 0.00003.
gnomAD v4.1: 7 of 1,612,520 alleles (0.00043%); highest among the groups gnomAD compares: Admixed American, 0.005%; no homozygotes.

Submissions (2):

Ambry Genetics
Classification: Uncertain significance for Inborn genetic diseases. Last evaluated: 2025-01-08. Review status: criteria provided, single submitter. Criteria: Ambry Variant Classification Scheme 2023. Collection method: clinical testing. Allele origin: germline.
Comment: The p.A1062V variant (also known as c.3185C>T), located in coding exon 31 of the RTEL1 gene, results from a C to T substitution at nucleotide position 3185. The alanine at codon 1062 is replaced by valine, an amino acid with similar properties. This amino acid position is conserved. In addition, this alteration is predicted to be tolerated by in silico analysis. Based on the available evidence, the clinical significance of this variant remains unclear.

Labcorp Genetics (formerly Invitae), Labcorp
Classification: Uncertain significance for Dyskeratosis congenita, autosomal recessive 5; Pulmonary fibrosis and/or bone marrow failure, Telomere-related, 3. Last evaluated: 2022-04-13. Review status: criteria provided, single submitter. Criteria: Invitae Variant Classification Sherloc (09022015). Collection method: clinical testing. Allele origin: germline.
Comment: This sequence change replaces alanine, which is neutral and non-polar, with valine, which is neutral and non-polar, at codon 1062 of the RTEL1 protein (p.Ala1062Val). This variant is present in population databases (rs747035266, gnomAD 0.009%). This variant has not been reported in the literature in individuals affected with RTEL1-related conditions. Algorithms developed to predict the effect of missense changes on protein structure and function (SIFT, PolyPhen-2, Align-GVGD) all suggest that this variant is likely to be tolerated. In summary, the available evidence is currently insufficient to determine the role of this variant in disease. Therefore, it has been classified as a Variant of Uncertain Significance.

NM_001283009.2(RTEL1):c.3185C>T (p.Ala1062Val)

Genes: RTEL1 (regulator of telomere elongation helicase 1; plus strand), RTEL1-TNFRSF6B (RTEL1-TNFRSF6B readthrough (NMD candidate); plus strand). Cytogenetic location: 20q13.33.
Variant type: single nucleotide variant.
Coding change: c.3185C>T on transcript NM_001283009.2 (MANE Select); coding-DNA position 3185, C replaced by T.
Protein change: p.Ala1062Val; replaces alanine 1062 with valine.
Molecular consequence: missense variant. On other transcripts: non-coding transcript variant (1).
Genome position (GRCh38, 1-based): chr20:63,694,816, C>T. VCF-style: chr20-63694816-C-T. GRCh37 (hg19) VCF-style: chr20-62326169-C-T.
Other names: c.2516C>T, p.Ala839Val (NM_001283010.1); c.3185C>T, p.Ala1062Val (NM_016434.4); c.3257C>T, p.Ala1086Val (NM_032957.5); short protein forms A1062V, A839V, A1086V.
Identifiers: ClinVar variation 2177876 (VCV002177876.2), dbSNP rs747035266, ClinGen allele CA9965897.